The following is an entry in ClinVar:

NM_015512.5(DNAH1):c.3376G>A (p.Ala1126Thr)

Gene: DNAH1 (dynein axonemal heavy chain 1; plus strand). Cytogenetic location: 3p21.1.
Variant type: single nucleotide variant.
Coding change: c.3376G>A on transcript NM_015512.5 (MANE Select); coding-DNA position 3376, G replaced by A.
Protein change: p.Ala1126Thr; replaces alanine 1126 with threonine.
Molecular consequence: missense variant.
Genome position (GRCh38, 1-based): chr3:52,353,529, G>A. VCF-style: chr3-52353529-G-A. GRCh37 (hg19) VCF-style: chr3-52387545-G-A.
Other names: short protein forms A1126T.
Identifiers: ClinVar variation 2107010 (VCV002107010.4), dbSNP rs2471190062, ClinGen allele CA353115138.
Genomic context (GRCh38, chr3:52,353,529, plus strand): 5'-ATGCGGATCCGGCACTGGGAGACACTGTCCAACCAGATCAACATCAATGTCAGGCCCAAG[G>A]CCAACCTGACCTTTGCTCGCTGCCTGGAGATGAACCTGCAGGACCATATCGAGAGCATCA-3'
Protein context (NP_056327.4, residues 1116-1136): NQININVRPK[Ala1126Thr]NLTFARCLEM

ClinVar aggregate classification (germline): Uncertain significance (1 of 4 stars; one submission).

Conditions:
Spermatogenic failure 18. Identifiers: MedGen C4539783, MONDO:0054615, OMIM 617576.
Ciliary dyskinesia, primary, 37 (CILD37). Also called: CILIARY DYSKINESIA, PRIMARY, 37, WITH OR WITHOUT SITUS INVERSUS. Identifiers: MedGen C4539798, MONDO:0033204, OMIM 617577.

Submission:

Labcorp Genetics (formerly Invitae), Labcorp
Classification: Uncertain significance for Ciliary dyskinesia, primary, 37; Spermatogenic failure 18. Last evaluated: 2023-08-10. Review status: criteria provided, single submitter. Criteria: Invitae Variant Classification Sherloc (09022015). Collection method: clinical testing. Allele origin: germline.
Comment: This variant has not been reported in the literature in individuals affected with DNAH1-related conditions. This variant is not present in population databases (gnomAD no frequency). This sequence change replaces alanine, which is neutral and non-polar, with threonine, which is neutral and polar, at codon 1126 of the DNAH1 protein (p.Ala1126Thr). In summary, the available evidence is currently insufficient to determine the role of this variant in disease. Therefore, it has been classified as a Variant of Uncertain Significance. Advanced modeling of protein sequence and biophysical properties (such as structural, functional, and spatial information, amino acid conservation, physicochemical variation, residue mobility, and thermodynamic stability) performed at Invitae indicates that this missense variant is not expected to disrupt DNAH1 protein function. ClinVar contains an entry for this variant (Variation ID: 2107010).